The following is an entry in ClinVar:

NC_000002.11:g.(?_127834182)_(127864519_?)dup

Gene: BIN1 (bridging integrator 1; minus strand). Cytogenetic location: 2q14.3.
Variant type: Duplication.
Identifiers: ClinVar variation 2427287 (VCV002427287.4).

ClinVar aggregate classification (germline): Uncertain significance (1 of 4 stars; one submission).

Conditions:
Myopathy, centronuclear, 2 (CNM2). Also called: MYOTUBULAR MYOPATHY, AUTOSOMAL RECESSIVE. Identifiers: Orphanet 169186, MedGen CN031787, MONDO:0009709, OMIM 255200.

Submission:

Labcorp Genetics (formerly Invitae), Labcorp
Classification: Uncertain significance for Myopathy, centronuclear, 2. Last evaluated: 2021-10-27. Review status: criteria provided, single submitter. Criteria: Invitae Variant Classification Sherloc (09022015). Collection method: clinical testing. Allele origin: germline.
Comment: In summary, the available evidence is currently insufficient to determine the role of this variant in disease. Therefore, it has been classified as a Variant of Uncertain Significance. This variant has not been reported in the literature in individuals affected with BIN1-related conditions. This variant results in a copy number gain of the genomic region encompassing exon(s) 1-2 of the BIN1 gene. This region includes the initiator codon of the gene. This copy number gain extends beyond the assayed region for this gene and therefore may encompass additional genes. As the precise location of this event is unknown, it may be in tandem or it may be located elsewhere in the genome.